The following is an entry in ClinVar:

ClinVar aggregate classification (germline): Pathogenic (1 of 4 stars; one submission).

Submission:

Labcorp Genetics (formerly Invitae), Labcorp
Classification: Pathogenic. Last evaluated: 2023-02-14. Review status: criteria provided, single submitter. Criteria: Invitae Variant Classification Sherloc (09022015). Collection method: clinical testing. Allele origin: germline.
Comment: For these reasons, this variant has been classified as Pathogenic. This variant has not been reported in the literature in individuals affected with LOXHD1-related conditions. This sequence change creates a premature translational stop signal (p.Val1195Alafs*14) in the LOXHD1 gene. It is expected to result in an absent or disrupted protein product. Loss-of-function variants in LOXHD1 are known to be pathogenic (PMID: 19732867, 21465660, 25792669). This variant is not present in population databases (gnomAD no frequency).

Literature cited by the submitters: PubMed 19732867; PubMed 21465660; PubMed 25792669.

NM_001384474.1(LOXHD1):c.3584del (p.Val1195fs)

Gene: LOXHD1 (lipoxygenase homology PLAT domains 1; minus strand). Cytogenetic location: 18q21.1.
Variant type: Deletion.
Coding change: c.3584del on transcript NM_001384474.1 (MANE Select); coding-DNA position 3584, one base deleted (T; older notation c.3584delT).
Protein change: p.Val1195fs; shifts the reading frame from valine 1195.
Molecular consequence: frameshift variant. On other transcripts: 5 prime UTR variant (1).
Genome position (GRCh38, 1-based): chr18:46,545,352, A deleted on the plus strand (T on the coding strand, the reverse complement: LOXHD1 is on the minus strand). VCF-style (leftmost placement, unchanged base first): chr18-46545351-GA-G. GRCh37 (hg19) VCF-style: chr18-44125314-GA-G.
Other names: c.251del, p.Val84fs (NM_001145472.3); c.-38del (NM_001308013.2); c.3584del, p.Val1195fs (NM_144612.7); short protein forms V84fs, V1195fs.
Identifiers: ClinVar variation 2837575 (VCV002837575.3), dbSNP rs2511734971, ClinGen allele CA2739268707.